The following is an entry in ClinVar:

ClinVar aggregate classification (germline): Uncertain significance (1 of 4 stars; one submission).

Allele frequency attached by ClinVar (database versions not stated): gnomAD exomes below 0.00001; TOPMed below 0.00001; gnomAD 0.00001.
gnomAD v4.1: 3 of 1,207,821 alleles (0.00025%); highest among the groups gnomAD compares: Admixed American, 0.0022%; no homozygotes.

Submission:

Athena Diagnostics
Classification: Uncertain significance. Last evaluated: 2023-04-06. Review status: criteria provided, single submitter. Criteria: Athena Diagnostics Criteria. Collection method: clinical testing. Allele origin: unknown.
Comment: Available data are insufficient to determine the clinical significance of the variant at this time. The frequency of this variant in the general population is uninformative in assessment of its pathogenicity. Computational tools disagree on the variant's effect on normal protein function.

NM_000533.5(PLP1):c.251C>T (p.Ala84Val)

Genes: PLP1 (proteolipid protein 1; plus strand), RAB9B (RAB9B, member RAS oncogene family; minus strand). Cytogenetic location: Xq22.2.
Variant type: single nucleotide variant.
Coding change: c.251C>T on transcript NM_000533.5 (MANE Select); coding-DNA position 251, C replaced by T.
Protein change: p.Ala84Val; replaces alanine 84 with valine.
Molecular consequence: missense variant.
Genome position (GRCh38, 1-based): chrX:103,786,524, C>T. VCF-style: chrX-103786524-C-T. GRCh37 (hg19) VCF-style: chrX-103041453-C-T.
Other names: c.251C>T, p.Ala84Val (NM_001128834.3, NM_199478.3); c.86C>T, p.Ala29Val (NM_001305004.1); short protein forms A29V, A84V.
Identifiers: ClinVar variation 2684306 (VCV002684306.1), dbSNP rs2074498165, ClinGen allele CA414102530.